The following is an entry in ClinVar:

NM_201384.3(PLEC):c.12609C>T (p.Tyr4203=)

Gene: PLEC (plectin; minus strand). Cytogenetic location: 8q24.3.
Variant type: single nucleotide variant.
Coding change: c.12609C>T on transcript NM_201384.3 (MANE Select); coding-DNA position 12609, C replaced by T.
Protein change: p.Tyr4203=; no amino-acid change (tyrosine 4203 retained).
Molecular consequence: synonymous variant.
Genome position (GRCh38, 1-based): chr8:143,917,212, G>A on the plus strand (C>T on the coding strand, the complement: PLEC is on the minus strand). VCF-style: chr8-143917212-G-A. GRCh37 (hg19) VCF-style: chr8-144991380-G-A.
Other names: c.12690C>T, p.Tyr4230= (NM_000445.5); c.12567C>T, p.Tyr4189= (NM_201378.4); c.12543C>T, p.Tyr4181= (NM_201379.3); c.13020C>T, p.Tyr4340= (NM_201380.4); c.12513C>T, p.Tyr4171= (NM_201381.3); c.12609C>T, p.Tyr4203= (NM_201382.4); c.12621C>T, p.Tyr4207= (NM_201383.3).
Identifiers: ClinVar variation 706122 (VCV000706122.14), dbSNP rs782526243, ClinGen allele CA4924040.
Genomic context (GRCh38, chr8:143,917,212, plus strand): 5'-GCGGTACTGGTCCAGTGCCGAGCGGTCGATGAGGTTCTTGGCGATGGCATCATCGATGTC[G>A]TACTGGCGCCCGGAGCGGCGGTCGATGATCATGGACTTGACCACGCCGTCCGAGGAGGAG-3'
Protein context (NP_958786.1, residues 4193-4213): MIIDRRSGRQ[Tyr4203=]DIDDAIAKNL

ClinVar aggregate classification (germline): Likely benign. Review status: criteria provided, multiple submitters, no conflicts (2 of 4 stars). 4 submissions from 4 submitters: Likely benign (4). Last evaluated 2026-08-10.

Conditions:
PLEC-related disorder. Also called: PLEC-related disorders; PLEC-related condition.
Epidermolysis bullosa simplex with nail dystrophy (EBS5D). Identifiers: MedGen C4225309, MONDO:0014661, OMIM 616487.
Epidermolysis bullosa simplex 5B, with muscular dystrophy (EBS5B). Also called: Epidermolysis bullosa simplex with muscular dystrophy; EPIDERMOLYSIS BULLOSA SIMPLEX AND LIMB-GIRDLE MUSCULAR DYSTROPHY. Identifiers: Orphanet 257, MedGen C2931072, MONDO:0009181, OMIM 226670.
Autosomal recessive limb-girdle muscular dystrophy type 2Q (LGMDR17). Also called: MUSCULAR DYSTROPHY, LIMB-GIRDLE, AUTOSOMAL RECESSIVE 17. Identifiers: Orphanet 254361, MedGen C3150989, MONDO:0013390, OMIM 613723.
Epidermolysis bullosa simplex 5C, with pyloric atresia (EBS5C). Also called: PLEC-Related Epidermolysis Bullosa with Pyloric Atresia; Epidermolysis bullosa simplex with pyloric atresia; PLEC1-Related Epidermolysis Bullosa with Pyloric Atresia. Identifiers: Orphanet 158684, MedGen C2677349, MONDO:0012807, OMIM 612138.
Epidermolysis bullosa simplex, Ogna type (EBS5A). Also called: Pidermolysis bullosa simplex 5A, Ogna type; EPIDERMOLYSIS BULLOSA SIMPLEX 5A, OGNA TYPE. Identifiers: Orphanet 79401, MedGen C0432317, MONDO:0007555, OMIM 131950.

Allele frequency attached by ClinVar (database versions not stated): gnomAD 0.00003; gnomAD exomes 0.00004 and 0.00005; TOPMed 0.00004; ExAC 0.00008.
gnomAD v4.1: 63 of 1,612,856 alleles (0.0039%); highest among the groups gnomAD compares: Middle Eastern, 0.23%; no homozygotes.

Submissions (4):

PreventionGenetics, part of Exact Sciences
Classification: Likely benign for PLEC-related condition. Last evaluated: 2026-08-10. Review status: criteria provided, single submitter. Criteria: ACMG Guidelines, 2015. Collection method: clinical testing. Allele origin: germline.
Comment: This variant is classified as likely benign based on ACMG/AMP sequence variant interpretation guidelines (Richards et al. 2015 PMID: 25741868, with internal and published modifications).

Labcorp Genetics (formerly Invitae), Labcorp
Classification: Likely benign for Autosomal recessive limb-girdle muscular dystrophy type 2Q; Epidermolysis bullosa simplex, Ogna type; Epidermolysis bullosa simplex with nail dystrophy; Epidermolysis bullosa simplex 5C, with pyloric atresia; Epidermolysis bullosa simplex 5B, with muscular dystrophy. Last evaluated: 2024-10-02. Review status: criteria provided, single submitter. Criteria: Invitae Variant Classification Sherloc (09022015). Collection method: clinical testing. Allele origin: germline.

Blueprint Genetics
Classification: Likely benign. Last evaluated: 2024-09-17. Review status: criteria provided, single submitter. Criteria: ACMG Guidelines, 2015. Collection method: clinical testing. Allele origin: germline.

Breakthrough Genomics
Classification: Likely benign. Review status: criteria provided, single submitter. Criteria: ACMG Guidelines, 2015. Collection method: not provided. Allele origin: germline. Inheritance: Autosomal recessive inheritance. Affected: yes.